The following is an entry in ClinVar:

NM_001378454.1(ALMS1):c.2480_2486del (p.Asp827fs)

Gene: ALMS1 (ALMS1 centrosome and basal body associated protein; plus strand). Cytogenetic location: 2p13.1.
Variant type: Deletion.
Coding change: c.2480_2486del on transcript NM_001378454.1 (MANE Select); coding-DNA positions 2480 to 2486, 7 bases deleted (ACAGCCA; older notation c.2480_2486delACAGCCA).
Protein change: p.Asp827fs; shifts the reading frame from aspartic acid 827.
Molecular consequence: frameshift variant.
Genome position (GRCh38, 1-based): chr2:73,449,007-73,449,013, ACAGCCA deleted. VCF-style (leftmost placement, unchanged base first): chr2-73449006-GACAGCCA-G. GRCh37 (hg19) VCF-style: chr2-73676133-GACAGCCA-G.
Other names: c.2483_2489del, p.Asp828fs (NM_015120.4); short protein forms D827fs, D828fs.
Identifiers: ClinVar variation 3660560 (VCV003660560.2).
Genomic context (GRCh38, chr2:73,449,006, plus strand): 5'-CCCTCTAGTGCATACTCACACAGAGAGAAGCTCCTTGTTTTCTACCAACAGGCCTTGCTG[GACAGCCA>G]TCTACCCGAAGAGGCTCTGAAAGTTTCAGCTGTTTCTGGACCAGCTGACGGAAAGACTGG-3'

ClinVar aggregate classification (germline): Pathogenic (1 of 4 stars; one submission).

Conditions:
Alstrom syndrome (ALMS). Identifiers: Orphanet 64, MedGen C0268425, MONDO:0008763, OMIM 203800.

Submission:

Labcorp Genetics (formerly Invitae), Labcorp
Classification: Pathogenic for Alstrom syndrome. Last evaluated: 2024-07-24. Review status: criteria provided, single submitter. Criteria: Invitae Variant Classification Sherloc (09022015). Collection method: clinical testing. Allele origin: germline.
Comment: This sequence change creates a premature translational stop signal (p.Asp828Valfs*7) in the ALMS1 gene. It is expected to result in an absent or disrupted protein product. Loss-of-function variants in ALMS1 are known to be pathogenic (PMID: 17594715). This variant is present in population databases (rs773279868, gnomAD 0.007%). This variant has not been reported in the literature in individuals affected with ALMS1-related conditions. For these reasons, this variant has been classified as Pathogenic.

Literature cited by the submitters: PubMed 17594715.